The following is an entry in ClinVar:

NM_001267550.2(TTN):c.71444C>G (p.Ser23815Ter)

Genes: TTN (titin; minus strand), TTN-AS1 (TTN antisense RNA 1; plus strand). Cytogenetic location: 2q31.2.
Variant type: single nucleotide variant.
Coding change: c.71444C>G on transcript NM_001267550.2 (MANE Select); coding-DNA position 71444, C replaced by G.
Protein change: p.Ser23815Ter; replaces serine 23815 with a stop codon.
Molecular consequence: nonsense.
Genome position (GRCh38, 1-based): chr2:178,574,688, G>C on the plus strand (C>G on the coding strand, the complement: TTN is on the minus strand). VCF-style: chr2-178574688-G-C. GRCh37 (hg19) VCF-style: chr2-179439415-G-C.
Other names: c.66521C>G, p.Ser22174Ter (NM_001256850.1); c.44249C>G, p.Ser14750Ter (NM_003319.4); c.63740C>G, p.Ser21247Ter (NM_133378.4); c.44624C>G, p.Ser14875Ter (NM_133432.3); c.44825C>G, p.Ser14942Ter (NM_133437.4); short protein forms S14750*, S14875*, S14942*, S21247*, S22174*, S23815*.
Identifiers: ClinVar variation 4866251 (VCV004866251.2).
Genomic context (GRCh38, chr2:178,574,688, plus strand): 5'-ACCTGAGGGGTACCAGGAGGTCCAGGAACCTTAAATGGATAGTTGGCAACTATGCATGCT[G>C]ATGTGATGCCTGGTCCAACTCCATATCTATTCTGAGCTTTTACACGGAACTGATACTCTA-3'

ClinVar aggregate classification (germline): Likely pathogenic. Review status: criteria provided, multiple submitters, no conflicts (2 of 4 stars). 2 submissions from 2 submitters: Likely pathogenic (2). Last evaluated 2026-04-02.

Conditions:
Cardiovascular phenotype. Identifiers: MedGen CN230736.
TTN-related disorder. Also called: TTN-related condition; TTN-related disease; TTN-related disorders.

Submissions (2):

Ambry Genetics
Classification: Likely pathogenic for Cardiovascular phenotype. Last evaluated: 2026-04-02. Review status: criteria provided, single submitter. Criteria: Ambry Variant Classification Scheme 2023. Collection method: clinical testing. Allele origin: germline.
Comment: The c.44249C>G (p.S14750*) alteration, located in exon 154 (coding exon 153) of the TTN gene, consists of a C to G substitution at nucleotide position 44249. This changes the amino acid from a serine (S) to a stop codon at amino acid position 14750. This variant is expected to result in loss of function by premature protein truncation or nonsense-mediated mRNA decay. This variant was not reported in population-based cohorts in the Genome Aggregation Database (gnomAD). This exon is located in the A-band region of the N2-B isoform of the titin protein and is constitutively expressed in TTN transcripts (percent spliced in or PSI 100%). While truncating variants in TTN are present in 1-3% of the general population, truncating variants in the A-band are the most common cause of dilated cardiomyopathy (Herman, 2012; Roberts, 2015). TTN truncating variants encoded in constitutive exons (PSI >90%) have been found to be significantly associated with DCM regardless of their position in titin (Schafer, 2017; Akhtar, 2020; Massier, 2025). Based on the available evidence, this alteration is classified as likely pathogenic.

Blueprint Genetics
Classification: Likely pathogenic for TTN-related disorders. Last evaluated: 2021-03-30. Review status: criteria provided, single submitter. Criteria: ACMG Guidelines, 2015. Collection method: clinical testing. Allele origin: germline. Affected: yes. Observed: 1 variant allele.

Literature cited by the submitters: PubMed 22335739 (cited by Ambry Genetics); PubMed 25589632 (cited by Ambry Genetics); PubMed 27869827 (cited by Ambry Genetics); PubMed 32964742 (cited by Ambry Genetics); PubMed 39844436 (cited by Ambry Genetics).